The following is an entry in ClinVar:

ClinVar aggregate classification (germline): Uncertain significance. Review status: criteria provided, multiple submitters, no conflicts (2 of 4 stars). 2 submissions from 2 submitters: Uncertain significance (2). Last evaluated 2026-07-07.

Conditions:
Hereditary cancer-predisposing syndrome. Also called: Hereditary Cancer Syndrome; Neoplastic Syndromes, Hereditary; Hereditary neoplastic syndrome; Tumor predisposition. Identifiers: Orphanet 140162, MedGen C0027672, MeSH D009386, MONDO:0015356.
Juvenile polyposis syndrome (JPS). Identifiers: Orphanet 2929, MedGen C0345893, MONDO:0017380, OMIM 174900.

Allele frequency attached by ClinVar (database versions not stated): gnomAD 0.00001; TOPMed 0.00001.
gnomAD v4.1: 1 of 1,613,944 alleles (0.000062%); highest among the groups gnomAD compares: African/African-American, 0.0013%; no homozygotes.

Submissions (2):

Ambry Genetics
Classification: Uncertain significance for Hereditary cancer-predisposing syndrome. Last evaluated: 2026-07-07. Review status: criteria provided, single submitter. Criteria: Ambry Variant Classification Scheme 2023. Collection method: clinical testing. Allele origin: germline.
Comment: The p.Q41R variant (also known as c.122A>G), located in coding exon 2 of the BMPR1A gene, results from an A to G substitution at nucleotide position 122. The glutamine at codon 41 is replaced by arginine, an amino acid with highly similar properties. This amino acid position is conserved. In addition, this alteration is predicted to be tolerated by in silico analysis. Based on the available evidence, the clinical significance of this variant remains unclear.

Labcorp Genetics (formerly Invitae), Labcorp
Classification: Uncertain significance for Juvenile polyposis syndrome. Last evaluated: 2021-02-25. Review status: criteria provided, single submitter. Criteria: Invitae Variant Classification Sherloc (09022015). Collection method: clinical testing. Allele origin: germline.
Comment: This sequence change replaces glutamine with arginine at codon 41 of the BMPR1A protein (p.Gln41Arg). The glutamine residue is moderately conserved and there is a small physicochemical difference between glutamine and arginine. This variant is not present in population databases (ExAC no frequency). This variant has not been reported in the literature in individuals with BMPR1A-related conditions. Advanced modeling of protein sequence and biophysical properties (such as structural, functional, and spatial information, amino acid conservation, physicochemical variation, residue mobility, and thermodynamic stability) performed at Invitae indicates that this missense variant is not expected to disrupt BMPR1A protein function. In summary, the available evidence is currently insufficient to determine the role of this variant in disease. Therefore, it has been classified as a Variant of Uncertain Significance.

NM_004329.3(BMPR1A):c.122A>G (p.Gln41Arg)

Gene: BMPR1A (bone morphogenetic protein receptor type 1A; plus strand). Cytogenetic location: 10q23.2.
Variant type: single nucleotide variant.
Coding change: c.122A>G on transcript NM_004329.3 (MANE Select); coding-DNA position 122, A replaced by G.
Protein change: p.Gln41Arg; replaces glutamine 41 with arginine.
Molecular consequence: missense variant.
Genome position (GRCh38, 1-based): chr10:86,890,116, A>G. VCF-style: chr10-86890116-A-G. GRCh37 (hg19) VCF-style: chr10-88649873-A-G.
Other names: c.122A>G (NM_004329.2); short protein forms Q41R.
Identifiers: ClinVar variation 1427699 (VCV001427699.9), dbSNP rs1363945274, ClinGen allele CA377446521.